The following is an entry in ClinVar:

NM_017780.4(CHD7):c.5420A>C (p.Asn1807Thr)

Gene: CHD7 (chromodomain helicase DNA binding protein 7; plus strand). Cytogenetic location: 8q12.2.
Variant type: single nucleotide variant.
Coding change: c.5420A>C on transcript NM_017780.4 (MANE Select); coding-DNA position 5420, A replaced by C.
Protein change: p.Asn1807Thr; replaces asparagine 1807 with threonine.
Molecular consequence: missense variant. On other transcripts: intron variant (1).
Genome position (GRCh38, 1-based): chr8:60,850,508, A>C. VCF-style: chr8-60850508-A-C. GRCh37 (hg19) VCF-style: chr8-61763067-A-C.
Other names: c.1717-11721A>C (NM_001316690.1); short protein forms N1807T.
Identifiers: ClinVar variation 1690785 (VCV001690785.7), dbSNP rs1001632406, ClinGen allele CA177353148.
Genomic context (GRCh38, chr8:60,850,508, plus strand): 5'-TCTTTGTTTCTGTGTGTTTTCTGTGCACGGATGGGCACGGCACAGGCTATGAGAAGTACA[A>C]CTCCATGCGAGCTGACCCCGCGCTGTGCTTTCTGGAACGAGTCGGTATGCCTGATGCCAA-3'
Protein context (NP_060250.2, residues 1797-1817): GVFKHGYEKY[Asn1807Thr]SMRADPALCF

ClinVar aggregate classification (germline): Uncertain significance. Review status: criteria provided, multiple submitters, no conflicts (2 of 4 stars). 2 submissions from 2 submitters: Uncertain significance (2). Last evaluated 2022-05-11.

Conditions:
CHARGE syndrome (CHARGE). Also called: Coloboma, heart anomaly, choanal atresia, retardation, genital and ear anomalies; CHARGE association; Hall-Hittner syndrome; Hittner Hirsch Kreh syndrome; CHARGE ASSOCIATION--COLOBOMA, HEART ANOMALY, CHOANAL ATRESIA, RETARDATION, GENITAL AND EAR ANOMALIES. Identifiers: Orphanet 138, MedGen C0265354, MONDO:0008965.

gnomAD v4.1: 3 of 1,613,180 alleles (0.00019%); highest among the groups gnomAD compares: Non-Finnish European, 0.00017%; no homozygotes.

Submissions (2):

Labcorp Genetics (formerly Invitae), Labcorp
Classification: Uncertain significance for CHARGE syndrome. Last evaluated: 2022-05-11. Review status: criteria provided, single submitter. Criteria: Invitae Variant Classification Sherloc (09022015). Collection method: clinical testing. Allele origin: germline.
Comment: In summary, the available evidence is currently insufficient to determine the role of this variant in disease. Therefore, it has been classified as a Variant of Uncertain Significance. Algorithms developed to predict the effect of missense changes on protein structure and function (SIFT, PolyPhen-2, Align-GVGD) all suggest that this variant is likely to be disruptive. This variant has not been reported in the literature in individuals affected with CHD7-related conditions. This variant is not present in population databases (gnomAD no frequency). This sequence change replaces asparagine, which is neutral and polar, with threonine, which is neutral and polar, at codon 1807 of the CHD7 protein (p.Asn1807Thr).

Laboratorio de Genetica e Diagnostico Molecular, Hospital Israelita Albert Einstein
Classification: Uncertain significance. Last evaluated: 2019-04-24. Review status: criteria provided, single submitter. Criteria: ACMG Guidelines, 2015. Collection method: clinical testing. Allele origin: germline. Affected: yes.
Comment: ACMG classification criteria: PM2, PP3